The following is an entry in ClinVar:

ClinVar aggregate classification (germline): Uncertain significance (1 of 4 stars; one submission).

Allele frequency attached by ClinVar (database versions not stated): gnomAD exomes below 0.00001; ExAC 0.00002.
gnomAD v4.1: 1 of 1,613,972 alleles (0.000062%); highest among the groups gnomAD compares: South Asian, 0.0011%; no homozygotes.

Submission:

Labcorp Genetics (formerly Invitae), Labcorp
Classification: Uncertain significance. Last evaluated: 2022-03-02. Review status: criteria provided, single submitter. Criteria: Invitae Variant Classification Sherloc (09022015). Collection method: clinical testing. Allele origin: germline.
Comment: In summary, the available evidence is currently insufficient to determine the role of this variant in disease. Therefore, it has been classified as a Variant of Uncertain Significance. Algorithms developed to predict the effect of missense changes on protein structure and function (SIFT, PolyPhen-2, Align-GVGD) all suggest that this variant is likely to be tolerated. This variant has not been reported in the literature in individuals affected with YME1L1-related conditions. This variant is present in population databases (rs765121672, gnomAD 0.006%). This sequence change replaces alanine, which is neutral and non-polar, with valine, which is neutral and non-polar, at codon 263 of the YME1L1 protein (p.Ala263Val).

NM_014263.4(YME1L1):c.617C>T (p.Ala206Val)

Gene: YME1L1 (YME1 like 1 ATPase; minus strand). Cytogenetic location: 10p12.1.
Variant type: single nucleotide variant.
Coding change: c.617C>T on transcript NM_014263.4 (MANE Select); coding-DNA position 617, C replaced by T.
Protein change: p.Ala206Val; replaces alanine 206 with valine.
Molecular consequence: missense variant.
Genome position (GRCh38, 1-based): chr10:27,134,905, G>A on the plus strand (C>T on the coding strand, the complement: YME1L1 is on the minus strand). VCF-style: chr10-27134905-G-A. GRCh37 (hg19) VCF-style: chr10-27423834-G-A.
Other names: c.518C>T, p.Ala173Val (NM_001253866.2); c.788C>T, p.Ala263Val (NM_139312.3); short protein forms A263V, A173V, A206V.
Identifiers: ClinVar variation 1416841 (VCV001416841.6), dbSNP rs765121672, ClinGen allele CA5449541.